The following is an entry in ClinVar:

NM_024312.5(GNPTAB):c.3458A>G (p.Asn1153Ser)

Gene: GNPTAB (N-acetylglucosamine-1-phosphate transferase subunits alpha and beta; minus strand). Cytogenetic location: 12q23.2.
Variant type: single nucleotide variant.
Coding change: c.3458A>G on transcript NM_024312.5 (MANE Select); coding-DNA position 3458, A replaced by G.
Protein change: p.Asn1153Ser; replaces asparagine 1153 with serine.
Molecular consequence: missense variant.
Genome position (GRCh38, 1-based): chr12:101,753,516, T>C on the plus strand (A>G on the coding strand, the complement: GNPTAB is on the minus strand). VCF-style: chr12-101753516-T-C. GRCh37 (hg19) VCF-style: chr12-102147294-T-C.
Other names: short protein forms N1153S.
Identifiers: ClinVar variation 39075 (VCV000039075.5), dbSNP rs281865019, ClinGen allele CA343402.

ClinVar aggregate classification (germline): Conflicting classifications of pathogenicity. Review status: criteria provided, conflicting classifications (1 of 4 stars). 3 submissions from 3 submitters: Likely pathogenic (1); Uncertain significance (1). 1 of the submissions does not count toward it. Last evaluated 2025-07-29.

Conditions:
GNPTAB-mucolipidosis. Also called: UDP-N-acetylglucosamine-1-phosphotransferase subunit alpha/beta deficiency. Identifiers: MedGen CN322573, MONDO:0100122.
Mucolipidosis. Also called: Mucolipidoses. Identifiers: Orphanet 79212, MedGen C0026697, MONDO:0019248.
Pseudo-Hurler polydystrophy. Also called: ML IIIA; Mucolipidosis III Alpha/Beta; ML III; ML III ALPHA/BETA; Type III Mucolipidosis; MUCOLIPIDOSIS IIIA. Identifiers: Orphanet 423461, Orphanet 577, MedGen C0033788, MONDO:0018931, OMIM 252600.

Allele frequency attached by ClinVar (database versions not stated): gnomAD exomes below 0.00001.
gnomAD v4.1: 1 of 1,614,008 alleles (0.000062%); highest among the groups gnomAD compares: Non-Finnish European, 0.000085%; no homozygotes.

Submissions (3):

Myriad Genetics, Inc.
Classification: Uncertain significance for GNPTAB-mucolipidosis. Last evaluated: 2025-07-29. Review status: criteria provided, single submitter. Criteria: Myriad Autosomal Dominant, Autosomal Recessive and X-Linked Classification Criteria (2023). Collection method: clinical testing. Allele origin: unknown.
Comment: NM_024312.4(GNPTAB):c.3458A>G(N1153S) is a missense variant classified as a variant of uncertain significance in the context of GNPTAB-related disorders. N1153S has been observed in a case with relevant disease (PMID: 19197337). Relevant functional assessments of this variant are available in the literature (PMID: 25505245). N1153S has not been observed in referenced population frequency databases. In summary, there is insufficient evidence to classify NM_024312.4(GNPTAB):c.3458A>G(N1153S) as pathogenic or benign. Please note: this variant was assessed in the context of healthy population screening.

Women's Health and Genetics/Laboratory Corporation of America, LabCorp
Classification: Likely pathogenic for Mucolipidosis. Last evaluated: 2025-05-13. Review status: criteria provided, single submitter. Criteria: LabCorp Variant Classification Summary - May 2015. Collection method: clinical testing. Allele origin: germline.
Comment: Variant summary: GNPTAB c.3458A>G (p.Asn1153Ser) results in a conservative amino acid change in the encoded protein sequence. Algorithms developed to predict the effect of missense changes on protein structure and function are either unavailable or do not agree on the potential impact of this missense change. The variant was absent in 251162 control chromosomes. c.3458A>G has been observed in a compound heterozygous individual affected with Mucolipidosis (Otomo_2009). At least one publication reports experimental evidence evaluating an impact on protein function. The most pronounced variant effect results in about 2% of normal activity in an in vitro assay (Qian_2015). The following publications have been ascertained in the context of this evaluation (PMID: 19197337, 25505245). ClinVar contains an entry for this variant (Variation ID: 39075). Based on the evidence outlined above, the variant was classified as likely pathogenic.

GeneReviews
No classification provided. Condition: Pseudo-Hurler polydystrophy. Review status: no classification provided. Collection method: literature only. Allele origin: unknown. Not counted in ClinVar's aggregate classification.

Literature cited by the submitters: PubMed 19197337 (cited by 3 submitters); PubMed 25505245 (cited by Myriad Genetics, Inc. and Women's Health and Genetics/Laboratory Corporation of America, LabCorp); PubMed 20301728 (cited by GeneReviews); NCBI Bookshelf NBK1828 (cited by GeneReviews).